The following is an entry in ClinVar:

ClinVar aggregate classification (germline): Likely pathogenic (1 of 4 stars; one submission).

Conditions:
Autosomal recessive nonsyndromic hearing loss 25. Identifiers: Orphanet 90636, MedGen C1414017, MONDO:0013210, OMIM 613285.

Allele frequency attached by ClinVar (database versions not stated): gnomAD exomes below 0.00001.
gnomAD v4.1: 3 of 1,612,050 alleles (0.00019%); highest among the groups gnomAD compares: Non-Finnish European, 0.00025%; no homozygotes.

Submission:

King Laboratory, University of Washington
Classification: Likely pathogenic for Autosomal recessive nonsyndromic hearing loss 25. Last evaluated: 2023-02-28. Review status: criteria provided, single submitter. Criteria: Li et al. (Genet Med. 2022). Collection method: research. Allele origin: unknown. Affected: yes.
Comment: This variant is a missense at a completely conserved site in the glutaredoxin domain of the GRXCR1 protein and is predicted to be damaging by multiple in-silico tools. GRXCR1 was identified as a cause of autosomal recessive hearing loss in multiple families (Shraders M et al. 2010). As of January 2023, this variant has not been reported to ClinVar and is found in 1 heterozygous individual on gnomAD. Based on homozygosity, consistently predicted functional effect, and goodness of fit of genotype to phenotype, we conclude that this variant is likely pathogenic.

Literature cited by the submitters: PubMed 36633841; PubMed 20137778.

NM_001080476.3(GRXCR1):c.668T>A (p.Leu223Gln)

Gene: GRXCR1 (glutaredoxin and cysteine rich domain containing 1; plus strand). Cytogenetic location: 4p13.
Variant type: single nucleotide variant.
Coding change: c.668T>A on transcript NM_001080476.3 (MANE Select); coding-DNA position 668, T replaced by A.
Protein change: p.Leu223Gln; replaces leucine 223 with glutamine.
Molecular consequence: missense variant.
Genome position (GRCh38, 1-based): chr4:43,020,394, T>A. VCF-style: chr4-43020394-T-A. GRCh37 (hg19) VCF-style: chr4-43022411-T-A.
Other names: short protein forms L223Q.
Identifiers: ClinVar variation 2445639 (VCV002445639.1), dbSNP rs1171186208, ClinGen allele CA356790806.